The following is an entry in ClinVar:

ClinVar aggregate classification (germline): Conflicting classifications of pathogenicity. Review status: criteria provided, conflicting classifications (1 of 4 stars). 3 submissions from 3 submitters: Uncertain significance (2); Likely benign (1). Last evaluated 2025-08-08.

Conditions:
Early-infantile DEE. Also called: Early infantile epileptic encephalopathy with suppression bursts; Early infantile epileptic encephalopathy; Ohtahara syndrome. Identifiers: Orphanet 1934, MedGen C0393706, MONDO:0800491.

Allele frequency attached by ClinVar (database versions not stated): TOPMed 0.00004; 1000 Genomes Project 30x 0.00016.

Submissions (3):

Ambry Genetics
Classification: Uncertain significance. Last evaluated: 2025-08-08. Review status: criteria provided, single submitter. Criteria: Ambry Variant Classification Scheme 2023. Collection method: clinical testing. Allele origin: germline.

Labcorp Genetics (formerly Invitae), Labcorp
Classification: Uncertain significance for Early-infantile DEE. Last evaluated: 2022-12-28. Review status: criteria provided, single submitter. Criteria: Invitae Variant Classification Sherloc (09022015). Collection method: clinical testing. Allele origin: germline.
Comment: This variant has not been reported in the literature in individuals affected with ARHGEF15-related conditions. In summary, the available evidence is currently insufficient to determine the role of this variant in disease. Therefore, it has been classified as a Variant of Uncertain Significance. Algorithms developed to predict the effect of missense changes on protein structure and function output the following: SIFT: "Tolerated"; PolyPhen-2: "Benign"; Align-GVGD: "Class C0". The leucine amino acid residue is found in multiple mammalian species, which suggests that this missense change does not adversely affect protein function. ClinVar contains an entry for this variant (Variation ID: 516318). This variant is present in population databases (rs552154823, gnomAD 0.003%). This sequence change replaces proline, which is neutral and non-polar, with leucine, which is neutral and non-polar, at codon 840 of the ARHGEF15 protein (p.Pro840Leu).

GeneDx
Classification: Likely benign. Last evaluated: 2019-07-23. Review status: criteria provided, single submitter. Criteria: GeneDx Variant Classification Process June 2021. Collection method: clinical testing. Allele origin: germline. Affected: yes.
Comment: In silico analysis, which includes protein predictors and evolutionary conservation, supports that this variant does not alter protein structure/function; Has not been previously published as pathogenic or benign to our knowledge

NM_173728.4(ARHGEF15):c.2519C>T (p.Pro840Leu)

Gene: ARHGEF15 (Rho guanine nucleotide exchange factor 15; plus strand). Cytogenetic location: 17p13.1.
Variant type: single nucleotide variant.
Coding change: c.2519C>T on transcript NM_173728.4 (MANE Select); coding-DNA position 2519, C replaced by T.
Protein change: p.Pro840Leu; replaces proline 840 with leucine.
Molecular consequence: missense variant.
Genome position (GRCh38, 1-based): chr17:8,320,986, C>T. VCF-style: chr17-8320986-C-T. GRCh37 (hg19) VCF-style: chr17-8224304-C-T.
Other names: c.2519C>T, p.Pro840Leu (NM_025014.2); short protein forms P840L.
Identifiers: ClinVar variation 516318 (VCV000516318.6), dbSNP rs552154823, ClinGen allele CA8375558.